The following is an entry in ClinVar:

ClinVar aggregate classification (germline): Uncertain significance (1 of 4 stars; one submission).

Submission:

GeneDx
Classification: Uncertain significance. Last evaluated: 2025-04-24. Review status: criteria provided, single submitter. Criteria: GeneDx Variant Classification Process June 2021. Collection method: clinical testing. Allele origin: germline. Affected: yes.
Comment: Not observed at significant frequency in large population cohorts (gnomAD); In silico analysis supports that this missense variant has a deleterious effect on protein structure/function; Has not been previously published as pathogenic or benign to our knowledge

NM_031407.7(HUWE1):c.5483T>C (p.Ile1828Thr)

Gene: HUWE1 (HECT, UBA and WWE domain containing E3 ubiquitin protein ligase 1; minus strand). Cytogenetic location: Xp11.22.
Variant type: single nucleotide variant.
Coding change: c.5483T>C on transcript NM_031407.7 (MANE Select); coding-DNA position 5483, T replaced by C.
Protein change: p.Ile1828Thr; replaces isoleucine 1828 with threonine.
Molecular consequence: missense variant.
Genome position (GRCh38, 1-based): chrX:53,583,595, A>G on the plus strand (T>C on the coding strand, the complement: HUWE1 is on the minus strand). VCF-style: chrX-53583595-A-G. GRCh37 (hg19) VCF-style: chrX-53610555-A-G.
Other names: c.5483T>C, p.Ile1828Thr (NM_001441052.1, NM_001441053.1, NM_001441054.1 and 6 more transcripts); c.5504T>C, p.Ile1835Thr (NM_001441055.1, NM_001441050.1); short protein forms I1828T, I1835T.
Identifiers: ClinVar variation 4526919 (VCV004526919.1).